The following is an entry in ClinVar:

ClinVar aggregate classification (germline): Benign. Review status: criteria provided, multiple submitters, no conflicts (2 of 4 stars). 14 submissions from 14 submitters: Benign (12). 2 of the submissions do not count toward it. Last evaluated 2026-02-04.

Conditions:
Hereditary cancer-predisposing syndrome. Also called: Tumor predisposition; Hereditary neoplastic syndrome; Neoplastic Syndromes, Hereditary; Hereditary Cancer Syndrome. Identifiers: Orphanet 140162, MedGen C0027672, MeSH D009386, MONDO:0015356.
Neuroblastoma, susceptibility to, 3. Also called: ALK-Related Neuroblastic Tumor Susceptibility. Identifiers: Orphanet 635, MedGen C2751681, MONDO:0013083, OMIM 613014.

Allele frequency attached by ClinVar (database versions not stated): 1000 Genomes Project 30x 0.01593; 1000 Genomes Project 0.01597; gnomAD 0.02525 and 0.02566; TOPMed 0.02574; ESP Exome Variant Server 0.02737; gnomAD exomes 0.02853 and 0.03631; ExAC 0.02935.
gnomAD v4.1: 56,862 of 1,614,174 alleles (3.5%); highest among the groups gnomAD compares: Non-Finnish European, 4%; 1,139 homozygotes.

Submissions (14):

Labcorp Genetics (formerly Invitae), Labcorp
Classification: Benign for Neuroblastoma, susceptibility to, 3. Last evaluated: 2026-02-04. Review status: criteria provided, single submitter. Criteria: Invitae Variant Classification Sherloc (09022015). Collection method: clinical testing. Allele origin: germline.

ARUP Laboratories, Molecular Genetics and Genomics, ARUP Laboratories
Classification: Benign for Neuroblastoma, susceptibility to, 3. Last evaluated: 2025-06-27. Review status: criteria provided, single submitter. Criteria: ARUP Molecular Germline Variant Investigation Process 2024. Collection method: clinical testing. Allele origin: germline.

CeGaT Center for Human Genetics Tuebingen
Classification: Benign. Last evaluated: 2024-10-01. Review status: criteria provided, single submitter. Criteria: CeGaT Center For Human Genetics Tuebingen Variant Classification Criteria Version 2. Collection method: clinical testing. Allele origin: germline. Affected: yes. Observed: 1 variant allele.
Comment: ALK: BP4, BS1, BS2

KCCC/NGS Laboratory, Kuwait Cancer Control Center
Classification: Benign for Neuroblastoma, susceptibility to, 3. Last evaluated: 2023-07-07. Review status: criteria provided, single submitter. Criteria: ACMG Guidelines, 2015. Collection method: clinical testing. Allele origin: germline. Affected: yes.

Mayo Clinic Laboratories, Mayo Clinic
Classification: Benign. Last evaluated: 2021-04-25. Review status: criteria provided, single submitter. Criteria: ACMG Guidelines, 2015. Collection method: clinical testing. Allele origin: germline. Observed: 9 variant alleles.

Illumina Laboratory Services, Illumina
Classification: Benign for Neuroblastoma, susceptibility to, 3. Last evaluated: 2018-01-12. Review status: criteria provided, single submitter. Criteria: ICSL Variant Classification Criteria 13 December 2019. Collection method: clinical testing. Allele origin: germline.
Comment: This variant was observed in the ICSL laboratory as part of a predisposition screen in an ostensibly healthy population. It had not been previously curated by ICSL or reported in the Human Gene Mutation Database (HGMD: prior to June 1st, 2018), and was therefore a candidate for classification through an automated scoring system. Utilizing variant allele frequency, disease prevalence and penetrance estimates, and inheritance mode, an automated score was calculated to assess if this variant is too frequent to cause the disease. Based on the score and internal cut-off values, a variant classified as benign is not then subjected to further curation. The score for this variant resulted in a classification of benign for this disease.

GeneDx
Classification: Benign. Last evaluated: 2017-09-27. Review status: criteria provided, single submitter. Criteria: GeneDx Variant Classification (06012015). Collection method: clinical testing. Allele origin: germline. Affected: yes.
Comment: This variant is considered likely benign or benign based on one or more of the following criteria: it is a conservative change, it occurs at a poorly conserved position in the protein, it is predicted to be benign by multiple in silico algorithms, and/or has population frequency not consistent with disease.

Ambry Genetics
Classification: Benign for Hereditary cancer-predisposing syndrome. Last evaluated: 2016-12-14. Review status: criteria provided, single submitter. Criteria: Ambry Variant Classification Scheme 2023. Collection method: clinical testing. Allele origin: germline.

Women's Health and Genetics/Laboratory Corporation of America, LabCorp
Classification: Benign. Last evaluated: 2016-08-24. Review status: criteria provided, single submitter. Criteria: LabCorp Variant Classification Summary - May 2015. Collection method: clinical testing. Allele origin: germline.
Comment: Variant summary: The ALK c.1427T>C (p.Val476Ala) variant involves the alteration of a non-conserved nucleotide. 2/3 in silico tools predict a benign outcome for this variant (SNPs&GO not captured due to low reliability index). This variant was found in 3594/122674 control chromosomes (67 homozygotes) at a frequency of 0.0292972, which is approximately 70313 times the estimated maximal expected allele frequency of a pathogenic ALK variant (0.0000004), suggesting this variant is likely a benign polymorphism. The variant of interest has not, to our knowledge, been reported in affected individuals via publications. Taken together, this variant is classified as benign.

Clinical Genetics DNA and cytogenetics Diagnostics Lab, Erasmus MC, Erasmus Medical Center
Classification: Benign for Neuroblastoma, susceptibility to, 3. Last evaluated: 2015-09-21. Review status: criteria provided, single submitter. Criteria: ACGS Guidelines, 2013. Collection method: clinical testing. Allele origin: germline. Affected: yes. Study: VKGL Data-share Consensus.

Breakthrough Genomics
Classification: Benign. Review status: criteria provided, single submitter. Criteria: ACMG Guidelines, 2015. Collection method: not provided. Allele origin: germline. Inheritance: Unknown mechanism. Affected: yes.

PreventionGenetics, part of Exact Sciences
Classification: Benign. Review status: criteria provided, single submitter. Criteria: ACMG Guidelines, 2015. Collection method: clinical testing. Allele origin: germline.

Genome Diagnostics Laboratory, Amsterdam University Medical Center
Classification: Benign for Neuroblastoma, susceptibility to, 3. Last evaluated: 2016-01-15. Review status: no assertion criteria provided. Criteria: ACGS Guidelines, 2013. Collection method: clinical testing. Allele origin: germline. Affected: yes. Study: VKGL Data-share Consensus. Not counted in ClinVar's aggregate classification.

ITMI
No classification provided. Condition: AllHighlyPenetrant. Last evaluated: 2013-09-19. Review status: no classification provided. Collection method: reference population. Allele origin: germline. Not counted in ClinVar's aggregate classification.
Comment: Please see associated publication for description of ethnicities

Literature cited by the submitters: PubMed 24728327 (cited by Women's Health and Genetics/Laboratory Corporation of America, LabCorp and ITMI).

NM_004304.5(ALK):c.1427T>C (p.Val476Ala)

Gene: ALK (ALK receptor tyrosine kinase; minus strand). Cytogenetic location: 2p23.2.
Variant type: single nucleotide variant.
Coding change: c.1427T>C on transcript NM_004304.5 (MANE Select); coding-DNA position 1427, T replaced by C.
Protein change: p.Val476Ala; replaces valine 476 with alanine.
Molecular consequence: missense variant.
Genome position (GRCh38, 1-based): chr2:29,320,870, A>G on the plus strand (T>C on the coding strand, the complement: ALK is on the minus strand). VCF-style: chr2-29320870-A-G. GRCh37 (hg19) VCF-style: chr2-29543736-A-G.
Other names: c.1427T>C (LRG_488t1); short protein forms V476A.
Identifiers: ClinVar variation 133485 (VCV000133485.47), dbSNP rs35093491, ClinGen allele CA156671.